The following is an entry in ClinVar:

ClinVar aggregate classification (germline): Uncertain significance (1 of 4 stars; one submission).

Submission:

Labcorp Genetics (formerly Invitae), Labcorp
Classification: Uncertain significance. Last evaluated: 2025-09-15. Review status: criteria provided, single submitter. Criteria: Invitae Variant Classification Sherloc (09022015). Collection method: clinical testing. Allele origin: germline.
Comment: This sequence change replaces serine, which is neutral and polar, with leucine, which is neutral and non-polar, at codon 498 of the NEXMIF protein (p.Ser498Leu). This variant is not present in population databases (gnomAD no frequency). This variant has not been reported in the literature in individuals affected with NEXMIF-related conditions. ClinVar contains an entry for this variant (Variation ID: 3695246). An algorithm developed to predict the effect of missense changes on protein structure and function (PolyPhen-2) suggests that this variant is likely to be disruptive. In summary, the available evidence is currently insufficient to determine the role of this variant in disease. Therefore, it has been classified as a Variant of Uncertain Significance.

NM_001008537.3(NEXMIF):c.1493C>T (p.Ser498Leu)

Gene: NEXMIF (neurite extension and migration factor; minus strand). Cytogenetic location: Xq13.3.
Variant type: single nucleotide variant.
Coding change: c.1493C>T on transcript NM_001008537.3 (MANE Select); coding-DNA position 1493, C replaced by T.
Protein change: p.Ser498Leu; replaces serine 498 with leucine.
Molecular consequence: missense variant.
Genome position (GRCh38, 1-based): chrX:74,743,064, G>A on the plus strand (C>T on the coding strand, the complement: NEXMIF is on the minus strand). VCF-style: chrX-74743064-G-A. GRCh37 (hg19) VCF-style: chrX-73962899-G-A.
Other names: short protein forms S498L.
Identifiers: ClinVar variation 3695246 (VCV003695246.2).
Genomic context (GRCh38, chrX:74,743,064, plus strand): 5'-TCCTCTTTGGAACCAACTGGCAGCCATTCCTTCCTCTCATTTACTTTTTCACCCTCTAGT[G>A]AGTCAACATCATATAGATAATCTTCACTGTATCTGACTTTTCTCTTGGCTCGCAGCCCAT-3'
Protein context (NP_001008537.1, residues 488-508): YSEDYLYDVD[Ser498Leu]LEGEKVNERK